The following is an entry in ClinVar:

ClinVar aggregate classification (germline): Likely benign (1 of 4 stars; one submission).

Allele frequency attached by ClinVar (database versions not stated): ESP Exome Variant Server 0.00015; TOPMed 0.00045; gnomAD 0.00058; gnomAD exomes 0.00063; ExAC 0.00125; 1000 Genomes Project 30x 0.00203; 1000 Genomes Project 0.00260.
gnomAD v4.1: 1,003 of 1,614,140 alleles (0.062%); highest among the groups gnomAD compares: East Asian, 0.66%; 7 homozygotes.

Submission:

CeGaT Center for Human Genetics Tuebingen
Classification: Likely benign. Last evaluated: 2026-05-01. Review status: criteria provided, single submitter. Criteria: CeGaT Center For Human Genetics Tuebingen Variant Classification Criteria Version 2. Collection method: clinical testing. Allele origin: germline. Affected: yes. Observed: 4 variant alleles.
Comment: NF1: BS1

NM_001042492.3(NF1):c.4836-20399G>A

Genes: EVI2B (ecotropic viral integration site 2B; minus strand), NF1 (neurofibromin 1; plus strand). Cytogenetic location: 17q11.2.
Variant type: single nucleotide variant.
Coding change: c.4836-20399G>A on transcript NM_001042492.3 (MANE Select); 20399 bases into the intron before coding-DNA position 4836, G replaced by A.
Molecular consequence: intron variant. On other transcripts: synonymous variant (1).
Genome position (GRCh38, 1-based): chr17:31,305,421, G>A. VCF-style: chr17-31305421-G-A. GRCh37 (hg19) VCF-style: chr17-29632439-G-A.
Other names: c.189C>T, p.Ser63= (NM_006495.4); c.4773-20399G>A (NM_000267.4).
Identifiers: ClinVar variation 2647636 (VCV002647636.24), dbSNP rs151096117, ClinGen allele CA8486842.